The following is an entry in ClinVar:

ClinVar aggregate classification (germline): Uncertain significance (1 of 4 stars; one submission).

Conditions:
Anauxetic dysplasia. Identifiers: Orphanet 93347, MedGen C1846796, MONDO:0011773.

Allele frequency attached by ClinVar (database versions not stated): gnomAD exomes 0.00001; gnomAD 0.00003; TOPMed 0.00003.

Submission:

Labcorp Genetics (formerly Invitae), Labcorp
Classification: Uncertain significance for Anauxetic dysplasia. Last evaluated: 2022-04-23. Review status: criteria provided, single submitter. Criteria: Invitae Variant Classification Sherloc (09022015). Collection method: clinical testing. Allele origin: germline.
Comment: This variant occurs in the RMRP gene, which encodes an RNA molecule that does not result in a protein product. This variant is present in population databases (no rsID available, gnomAD 0.06%). This variant has not been reported in the literature in individuals affected with RMRP-related conditions. Experimental studies and prediction algorithms are not available or were not evaluated, and the functional significance of this variant is currently unknown. In summary, the available evidence is currently insufficient to determine the role of this variant in disease. Therefore, it has been classified as a Variant of Uncertain Significance.

NC_000009.12:g.35657898_35657899insA

Gene: RMRP (RNA component of mitochondrial RNA processing endoribonuclease; minus strand). Cytogenetic location: 9p13.3.
Variant type: Insertion.
Genome position: GRCh38 VCF-style: chr9-35657898-T-TA. GRCh37 (hg19) VCF-style: chr9-35657895-T-TA.
Identifiers: ClinVar variation 2138998 (VCV002138998.1), dbSNP rs1275182876, ClinGen allele CA587570233.